The following is an entry in ClinVar:

ClinVar aggregate classification (germline): Uncertain significance (1 of 4 stars; one submission).

Conditions:
Long QT syndrome (LQTS). Identifiers: MedGen C0023976, MeSH D008133, MONDO:0002442. Disease mechanism: loss of function. Inheritance: Various modes of inheritance.

Allele frequency attached by ClinVar (database versions not stated): gnomAD exomes below 0.00001.
gnomAD v4.1: 1 of 1,614,206 alleles (0.000062%); highest among the groups gnomAD compares: Non-Finnish European, 0.000085%; no homozygotes.

Submission:

Labcorp Genetics (formerly Invitae), Labcorp
Classification: Uncertain significance for Long QT syndrome. Last evaluated: 2021-11-04. Review status: criteria provided, single submitter. Criteria: Invitae Variant Classification Sherloc (09022015). Collection method: clinical testing. Allele origin: germline.
Comment: In summary, the available evidence is currently insufficient to determine the role of this variant in disease. Therefore, it has been classified as a Variant of Uncertain Significance. Advanced modeling of protein sequence and biophysical properties (such as structural, functional, and spatial information, amino acid conservation, physicochemical variation, residue mobility, and thermodynamic stability) performed at Invitae indicates that this missense variant is expected to disrupt KCNJ5 protein function. This variant has not been reported in the literature in individuals affected with KCNJ5-related conditions. This variant is not present in population databases (gnomAD no frequency). This sequence change replaces valine, which is neutral and non-polar, with methionine, which is neutral and non-polar, at codon 346 of the KCNJ5 protein (p.Val346Met).

NM_000890.5(KCNJ5):c.1036G>A (p.Val346Met)

Gene: KCNJ5 (potassium inwardly rectifying channel subfamily J member 5; plus strand). Cytogenetic location: 11q24.3.
Variant type: single nucleotide variant.
Coding change: c.1036G>A on transcript NM_000890.5 (MANE Select); coding-DNA position 1036, G replaced by A.
Protein change: p.Val346Met; replaces valine 346 with methionine.
Molecular consequence: missense variant.
Genome position (GRCh38, 1-based): chr11:128,916,507, G>A. VCF-style: chr11-128916507-G-A. GRCh37 (hg19) VCF-style: chr11-128786402-G-A.
Other names: c.1036G>A, p.Val346Met (NM_001354169.2); short protein forms V346M.
Identifiers: ClinVar variation 1501435 (VCV001501435.6), dbSNP rs2136003912, ClinGen allele CA383235678.
Genomic context (GRCh38, chr11:128,916,507, plus strand): 5'-GAGGTGCTCTGGGGCCACCGATTCACACCAGTCCTCACCTTGGAAAAGGGCTTCTATGAG[G>A]TGGACTACAACACCTTCCATGATACCTATGAGACCAACACACCCAGCTGCTGTGCCAAGG-3'
Protein context (NP_000881.3, residues 336-356): VLTLEKGFYE[Val346Met]DYNTFHDTYE